The following is an entry in ClinVar:

NM_024301.5(FKRP):c.1083C>G (p.Tyr361Ter)

Gene: FKRP (fukutin related protein; plus strand). Cytogenetic location: 19q13.32.
Variant type: single nucleotide variant.
Coding change: c.1083C>G on transcript NM_024301.5 (MANE Select); coding-DNA position 1083, C replaced by G.
Protein change: p.Tyr361Ter; replaces tyrosine 361 with a stop codon.
Molecular consequence: nonsense.
Genome position (GRCh38, 1-based): chr19:46,756,533, C>G. VCF-style: chr19-46756533-C-G. GRCh37 (hg19) VCF-style: chr19-47259790-C-G.
Other names: c.1083C>G, p.Tyr361Ter (NM_001039885.3); short protein forms Y361*.
Identifiers: ClinVar variation 950839 (VCV000950839.14), dbSNP rs1060502109, ClinGen allele CA406496611.
Genomic context (GRCh38, chr19:46,756,533, plus strand): 5'-GCTCGAGGGCGGCTCACTGCTGGGGGCCGCCCGCCACGGGGACATCATCCCATGGGACTA[C>G]GACGTGGACCTGGGCATCTACTTGGAGGACGTGGGCAACTGCGAGCAGCTGCGGGGGGCA-3'

ClinVar aggregate classification (germline): Pathogenic/Likely pathogenic. Review status: criteria provided, multiple submitters, no conflicts (2 of 4 stars). 4 submissions from 4 submitters: Pathogenic (2); Likely pathogenic (2). Last evaluated 2025-04-01.

Conditions:
Cardiovascular phenotype. Identifiers: MedGen CN230736.
Walker-Warburg congenital muscular dystrophy. Also called: Muscular dystrophy-dystroglycanopathy, type A; Walker-Warburg syndrome. Identifiers: Orphanet 899, MedGen C0265221, MONDO:0000171.
Muscular dystrophy-dystroglycanopathy (congenital with brain and eye anomalies), type A5. Also called: WALKER-WARBURG SYNDROME OR MUSCLE-EYE-BRAIN DISEASE, FKRP-RELATED; MUSCULAR DYSTROPHY-DYSTROGLYCANOPATHY (CONGENITAL WITH BRAIN AND EYE ANOMALIES), TYPE A, 5. Identifiers: Orphanet 588, Orphanet 899, MedGen C3150413, MONDO:0013157, OMIM 613153.

Allele frequency attached by ClinVar (database versions not stated): gnomAD exomes below 0.00001.
gnomAD v4.1: 1 of 1,600,268 alleles (0.000062%); no homozygotes.

Submissions (4):

Ambry Genetics
Classification: Pathogenic for Cardiovascular phenotype. Last evaluated: 2025-04-01. Review status: criteria provided, single submitter. Criteria: Ambry Variant Classification Scheme 2023. Collection method: clinical testing. Allele origin: germline.
Comment: The p.Y361* pathogenic mutation (also known as c.1083C>G), located in coding exon 1 of the FKRP gene, results from a C to G substitution at nucleotide position 1083. This changes the amino acid from a tyrosine to a stop codon within coding exon 1. This alteration occurs at the 3' terminus of theFKRP gene, is not expected to trigger nonsense-mediated mRNA decay, and impacts the last 27% of the protein. However, premature stop codons are typically deleterious in nature and a significant portion of the protein is affected (Ambry internal data). Based on the supporting evidence, this variant is interpreted as a disease-causing mutation.

Labcorp Genetics (formerly Invitae), Labcorp
Classification: Pathogenic for Walker-Warburg congenital muscular dystrophy. Last evaluated: 2024-02-07. Review status: criteria provided, single submitter. Criteria: Invitae Variant Classification Sherloc (09022015). Collection method: clinical testing. Allele origin: germline.
Comment: This sequence change creates a premature translational stop signal (p.Tyr361*) in the FKRP gene. While this is not anticipated to result in nonsense mediated decay, it is expected to disrupt the last 135 amino acid(s) of the FKRP protein. The frequency data for this variant in the population databases is considered unreliable, as metrics indicate poor data quality at this position in the gnomAD database. This variant has not been reported in the literature in individuals affected with FKRP-related conditions. ClinVar contains an entry for this variant (Variation ID: 950839). This variant disrupts a region of the FKRP protein in which other variant(s) (p.Ser385*) have been determined to be pathogenic (PMID: 11592034, 12666124, 12707425, 14742276). This suggests that this is a clinically significant region of the protein, and that variants that disrupt it are likely to be disease-causing. For these reasons, this variant has been classified as Pathogenic.

Baylor Genetics
Classification: Likely pathogenic for Muscular dystrophy-dystroglycanopathy (congenital with brain and eye anomalies), type A5. Last evaluated: 2023-09-19. Review status: criteria provided, single submitter. Criteria: ACMG Guidelines, 2015. Collection method: clinical testing. Allele origin: unknown.

Revvity Omics, Revvity
Classification: Likely pathogenic. Last evaluated: 2022-06-22. Review status: criteria provided, single submitter. Criteria: ACMG Guidelines, 2015. Collection method: clinical testing. Allele origin: germline.

Literature cited by the submitters: PubMed 11592034 (cited by Labcorp Genetics (formerly Invitae), Labcorp); PubMed 12666124 (cited by Labcorp Genetics (formerly Invitae), Labcorp); PubMed 12707425 (cited by Labcorp Genetics (formerly Invitae), Labcorp); PubMed 14742276 (cited by Labcorp Genetics (formerly Invitae), Labcorp).